The following is an entry in ClinVar:

NM_133433.4(NIPBL):c.5045G>A (p.Arg1682Gln)

Gene: NIPBL (NIPBL cohesin loading factor; plus strand). Cytogenetic location: 5p13.2.
Variant type: single nucleotide variant.
Coding change: c.5045G>A on transcript NM_133433.4 (MANE Select); coding-DNA position 5045, G replaced by A.
Protein change: p.Arg1682Gln; replaces arginine 1682 with glutamine.
Molecular consequence: missense variant.
Genome position (GRCh38, 1-based): chr5:37,020,493, G>A. VCF-style: chr5-37020493-G-A. GRCh37 (hg19) VCF-style: chr5-37020595-G-A.
Other names: c.5045G>A, p.Arg1682Gln (NM_015384.5); short protein forms R1682Q.
Identifiers: ClinVar variation 2867413 (VCV002867413.3), dbSNP rs1250912763, ClinGen allele CA359486418.
Genomic context (GRCh38, chr5:37,020,493, plus strand): 5'-CTCAAGTCTGTCTAATTTCTTTCCAGTTTTCTCGTAAATTCTATATAGCCCAGTGGTTTC[G>A]AGACACAACTCTGGAAACAGAAAAAGCAATGAAATCACAAAAAGATGAAGAATCATCTGA-3'
Protein context (NP_597677.2, residues 1672-1692): SRKFYIAQWF[Arg1682Gln]DTTLETEKAM

ClinVar aggregate classification (germline): Uncertain significance (1 of 4 stars; one submission).

Conditions:
Cornelia de Lange syndrome 1 (CDLS1). Also called: Brachmann de Lange syndrome; NIPBL-Related Cornelia de Lange Syndrome; TYPUS DEGENERATIVUS AMSTELODAMENSIS. Identifiers: Orphanet 199, MedGen C4551851, MONDO:0007387, OMIM 122470.

Allele frequency attached by ClinVar (database versions not stated): gnomAD 0.00001; TOPMed 0.00001.
gnomAD v4.1: 1 of 1,613,512 alleles (0.000062%); highest among the groups gnomAD compares: African/African-American, 0.0013%; no homozygotes.

Submission:

Labcorp Genetics (formerly Invitae), Labcorp
Classification: Uncertain significance for Cornelia de Lange syndrome 1. Last evaluated: 2022-12-04. Review status: criteria provided, single submitter. Criteria: Invitae Variant Classification Sherloc (09022015). Collection method: clinical testing. Allele origin: germline.
Comment: In summary, the available evidence is currently insufficient to determine the role of this variant in disease. Therefore, it has been classified as a Variant of Uncertain Significance. This sequence change replaces arginine, which is basic and polar, with glutamine, which is neutral and polar, at codon 1682 of the NIPBL protein (p.Arg1682Gln). This variant is not present in population databases (gnomAD no frequency). This variant has not been reported in the literature in individuals affected with NIPBL-related conditions. Advanced modeling of protein sequence and biophysical properties (such as structural, functional, and spatial information, amino acid conservation, physicochemical variation, residue mobility, and thermodynamic stability) has been performed at Invitae for this missense variant, however the output from this modeling did not meet the statistical confidence thresholds required to predict the impact of this variant on NIPBL protein function.